The following is an entry in ClinVar:

ClinVar aggregate classification (germline): Pathogenic (1 of 4 stars; one submission).

Conditions:
Cardiomyopathy (CMYO). Also called: Cardiomyopathies. Identifiers: Orphanet 167848, MedGen C0878544, MONDO:0004994, HP:0001638. Inheritance: Various modes of inheritance.
Left ventricular noncompaction. Identifiers: Orphanet 54260, MedGen C1960469, MONDO:0018901, HP:0030682.
Floppy infant. Also called: Infantile muscular hypotonia. Identifiers: MedGen C1860834, HP:0008947.

Submission:

Baylor Genetics
Classification: Pathogenic for Cardiomyopathy; Left ventricular noncompaction; Infantile muscular hypotonia. Last evaluated: 2015-06-17. Review status: criteria provided, single submitter. Criteria: Eldomery et al. (Genome Med. 2016). Collection method: research. Allele origin: maternal. Inheritance: Autosomal recessive inheritance. Affected: yes. Study: MIPEP.

GRCh37/hg19 13q12.12(chr13:23519916-24941516)x1

Genes: PCOTH (prostate and testis expressed opposite C1QTNF9B and MIPEP; plus strand), C1QTNF9 (C1q and TNF related 9; plus strand), C1QTNF9B (C1q and TNF related 9B; minus strand), MIPEP (mitochondrial intermediate peptidase; minus strand), SACS (sacsin molecular chaperone; minus strand) and 3 more. Cytogenetic location: 13q12.12.
Variant type: copy number loss.
Change: copy number 1 (one copy instead of two) of chr13:23,519,916-24,941,516 (1.42 Mb, GRCh37 coordinates, 1-based), cytogenetic band 13q12.12.
Identifiers: ClinVar variation 208634 (VCV000208634.2).